The following is an entry in ClinVar:

ClinVar aggregate classification (germline): Uncertain significance (1 of 4 stars; one submission).

Submission:

Clinical Genomics Laboratory, Laboratory for Precision Diagnostics, University of Washington
Classification: Uncertain significance. Last evaluated: 2023-01-11. Review status: criteria provided, single submitter. Criteria: ACMG/ClinGen CNV Guidelines, 2019. Collection method: clinical testing. Allele origin: unknown. Affected: yes. Observed: 1 variant allele.
Comment: The duplication is approximately 1.09 Mb in size and affects 8 protein-coding genes. It encompasses protein-coding elements (Section 1, 0 points) but doesn’t overlap any known dosage sensitive genes or regions (Section 2, 0 points). Eight protein-coding genes are affected by the duplication (Section 3, 0 points). A review of public databases (ClinVar, DECIPHER) and the medical literature shows no informative patients with similar duplications (Section 4, 0 points). No similar duplications appear in the Database of Genomic Variants (DGV) and gnomAD (Section 4O, 0 points). Parental testing has not been done (Section 5, 0 points).

GRCh38/hg38 20p11.23(chr20:18380959-19468673)x3

Genes: DTD1 (D-aminoacyl-tRNA deacylase 1; plus strand), DTD1-AS1 (DTD1 antisense RNA 1; minus strand), DZANK1 (double zinc ribbon and ankyrin repeat domains 1; minus strand), LCDR (lysosome cell death regulator; plus strand), LINC00652 (long intergenic non-protein coding RNA 652; minus strand) and 31 more. Cytogenetic location: 20p11.23.
Variant type: copy number gain.
Change: copy number 3 (three copies instead of two) of chr20:18,380,959-19,468,673 (1.09 Mb, GRCh38 coordinates, 1-based), cytogenetic band 20p11.23.
Identifiers: ClinVar variation 4852079 (VCV004852079.1).